The following is an entry in ClinVar:

ClinVar aggregate classification (germline): Uncertain significance (1 of 4 stars; one submission).

Submission:

Labcorp Genetics (formerly Invitae), Labcorp
Classification: Uncertain significance. Last evaluated: 2022-08-04. Review status: criteria provided, single submitter. Criteria: Invitae Variant Classification Sherloc (09022015). Collection method: clinical testing. Allele origin: germline.
Comment: Algorithms developed to predict the effect of missense changes on protein structure and function are either unavailable or do not agree on the potential impact of this missense change (SIFT: "Tolerated"; PolyPhen-2: "Possibly Damaging"; Align-GVGD: "Class C0"). This sequence change replaces lysine, which is basic and polar, with asparagine, which is neutral and polar, at codon 2110 of the POLE protein (p.Lys2110Asn). This variant also falls at the last nucleotide of exon 45, which is part of the consensus splice site for this exon. This variant is not present in population databases (gnomAD no frequency). This variant has not been reported in the literature in individuals affected with POLE-related conditions. Variants that disrupt the consensus splice site are a relatively common cause of aberrant splicing (PMID: 17576681, 9536098). Algorithms developed to predict the effect of sequence changes on RNA splicing suggest that this variant may disrupt the consensus splice site. In summary, the available evidence is currently insufficient to determine the role of this variant in disease. Therefore, it has been classified as a Variant of Uncertain Significance.

Literature cited by the submitters: PubMed 17576681; PubMed 9536098.

NM_006231.4(POLE):c.6330G>T (p.Lys2110Asn)

Gene: POLE (DNA polymerase epsilon, catalytic subunit; minus strand). Cytogenetic location: 12q24.33.
Variant type: single nucleotide variant.
Coding change: c.6330G>T on transcript NM_006231.4 (MANE Select); coding-DNA position 6330, G replaced by T.
Protein change: p.Lys2110Asn; replaces lysine 2110 with asparagine.
Molecular consequence: missense variant.
Genome position (GRCh38, 1-based): chr12:132,632,315, C>A on the plus strand (G>T on the coding strand, the complement: POLE is on the minus strand). VCF-style: chr12-132632315-C-A. GRCh37 (hg19) VCF-style: chr12-133208901-C-A.
Other names: short protein forms K2110N.
Identifiers: ClinVar variation 2021406 (VCV002021406.4), dbSNP rs774748936, ClinGen allele CA387369144.